The following is an entry in ClinVar:

NM_004415.4(DSP):c.7784C>T (p.Thr2595Ile)

Gene: DSP (desmoplakin; plus strand). Cytogenetic location: 6p24.3.
Variant type: single nucleotide variant.
Coding change: c.7784C>T on transcript NM_004415.4 (MANE Select); coding-DNA position 7784, C replaced by T.
Protein change: p.Thr2595Ile; replaces threonine 2595 with isoleucine.
Molecular consequence: missense variant.
Genome position (GRCh38, 1-based): chr6:7,585,046, C>T. VCF-style: chr6-7585046-C-T. GRCh37 (hg19) VCF-style: chr6-7585279-C-T.
Other names: c.5987C>T, p.Thr1996Ile (NM_001008844.3); c.6455C>T, p.Thr2152Ile (NM_001319034.2); short protein forms T2152I, T2595I, T1996I.
Identifiers: ClinVar variation 920588 (VCV000920588.14), dbSNP rs772951950, ClinGen allele CA050845.

ClinVar aggregate classification (germline): Uncertain significance. Review status: criteria provided, multiple submitters, no conflicts (2 of 4 stars). 5 submissions from 5 submitters: Uncertain significance (5). Last evaluated 2026-01-15.

Conditions:
Cardiovascular phenotype. Identifiers: MedGen CN230736.
Arrhythmogenic cardiomyopathy with wooly hair and keratoderma. Also called: PALMOPLANTAR KERATODERMA WITH LEFT VENTRICULAR CARDIOMYOPATHY AND WOOLLY HAIR; Carvajal syndrome; Dilated cardiomyopathy with woolly hair and keratoderma; Arrhythmogenic cardiomyopathy with woolly hair and keratoderma. Identifiers: Orphanet 65282, MedGen C1854063, MONDO:0011581, OMIM 605676.
Arrhythmogenic right ventricular dysplasia 8 (ARVD8). Also called: Arrhythmogenic Right Ventricular Dysplasia/Cardiomyopathy 8; ARRHYTHMOGENIC RIGHT VENTRICULAR DYSPLASIA, FAMILIAL, 8; ARRHYTHMOGENIC RIGHT VENTRICULAR CARDIOMYOPATHY 8. Identifiers: MedGen C1843896, MONDO:0011831, OMIM 607450.
Cardiomyopathy (CMYO). Also called: Cardiomyopathies. Identifiers: Orphanet 167848, MedGen C0878544, MONDO:0004994, HP:0001638. Inheritance: Various modes of inheritance.
Woolly hair-skin fragility syndrome (WHSF). Identifiers: Orphanet 293165, MedGen C1843292, MONDO:0957307, OMIM 620415.
Cardiomyopathy, dilated, with wooly hair, keratoderma, and tooth agenesis. Also called: Cardiomyopathy, dilated, with woolly hair, keratoderma, and tooth agenesis; Erythrokeratodermia-cardiomyopathy syndrome. Identifiers: Orphanet 476096, Orphanet 65282, MedGen C4014393, MONDO:0014355, OMIM 615821.
Lethal acantholytic epidermolysis bullosa (EBLA). Identifiers: Orphanet 158687, MedGen C1864826, MONDO:0012323, OMIM 609638.
Keratosis palmoplantaris striata 2. Also called: KERATODERMA, PALMOPLANTAR, STRIATE FORM II; STRIATE PALMOPLANTAR KERATODERMA II; Keratosis palmoplantaris striata II. Identifiers: MedGen C1852127, MONDO:0013034, OMIM 612908.

Allele frequency attached by ClinVar (database versions not stated): ExAC 0.00001; gnomAD 0.00001; gnomAD exomes 0.00001.
gnomAD v4.1: 26 of 1,614,084 alleles (0.0016%); highest among the groups gnomAD compares: Non-Finnish European, 0.002%; no homozygotes.

Submissions (5):

Labcorp Genetics (formerly Invitae), Labcorp
Classification: Uncertain significance for Arrhythmogenic cardiomyopathy with wooly hair and keratoderma; Arrhythmogenic right ventricular dysplasia 8. Last evaluated: 2026-01-15. Review status: criteria provided, single submitter. Criteria: Invitae Variant Classification Sherloc (09022015). Collection method: clinical testing. Allele origin: germline.
Comment: This sequence change replaces threonine, which is neutral and polar, with isoleucine, which is neutral and non-polar, at codon 2595 of the DSP protein (p.Thr2595Ile). This variant is present in population databases (rs772951950, gnomAD 0.002%). This missense change has been observed in individual(s) with clinical features of arrhythmogenic right ventricular cardiomyopathy (PMID: 19597050, 27532257, 35352813). ClinVar contains an entry for this variant (Variation ID: 920588). An algorithm developed to predict the effect of missense changes on protein structure and function (PolyPhen-2) suggests that this variant is likely to be disruptive. In summary, the available evidence is currently insufficient to determine the role of this variant in disease. Therefore, it has been classified as a Variant of Uncertain Significance.

All of Us Research Program, National Institutes of Health
Classification: Uncertain significance for Arrhythmogenic cardiomyopathy with wooly hair and keratoderma. Last evaluated: 2024-08-06. Review status: criteria provided, single submitter. Criteria: ACMG Guidelines, 2015. Collection method: clinical testing. Allele origin: germline. Inheritance: Autosomal dominant inheritance. Observed: 5 variant alleles, 5 heterozygotes.
Comment: This missense variant replaces threonine with isoleucine at codon 2595 of the DSP protein. Computational prediction suggests that this variant may not impact protein structure and function (internally defined REVEL score threshold <= 0.5, PMID: 27666373). To our knowledge, functional studies have not been reported for this variant. This variant has been reported in two individuals affected with arrhythmogenic right ventricular cardiomyopathy (PMID: 19597050, 27532257), and in an unexplained cardiac arrest survivor with idiopathic ventricular tachycardia (PMID: 28600387). This variant has been identified in 2/251458 chromosomes in the general population by the Genome Aggregation Database (gnomAD). The available evidence is insufficient to determine the role of this variant in disease conclusively. Therefore, this variant is classified as a Variant of Uncertain Significance.

This study involves interpretation of variants in research participants for the purpose of population health screening. Participant phenotype was not available at the time of variant classification. Additional details can be found in publication PMID: 35346344, PMCID: PMC8962531

Ambry Genetics
Classification: Uncertain significance for Cardiovascular phenotype. Last evaluated: 2024-05-20. Review status: criteria provided, single submitter. Criteria: Ambry Variant Classification Scheme 2023. Collection method: clinical testing. Allele origin: germline.
Comment: The p.T2595I variant (also known as c.7784C>T), located in coding exon 24 of the DSP gene, results from a C to T substitution at nucleotide position 7784. The threonine at codon 2595 is replaced by isoleucine, an amino acid with similar properties. This variant has been detected in an individual from a sudden cardiac arrest cohort, and in an individual who underwent genetic testing for arrhythmogenic right ventricular cardiomyopathy; however, details were limited (Krahn AD et al. Circulation, 2009 Jul;120:278-85; Walsh R et al. Genet Med, 2017 Feb;19:192-203). This amino acid position is not well conserved in available vertebrate species. In addition, the in silico prediction for this alteration is inconclusive. Based on the available evidence, the clinical significance of this variant remains unclear.

Color Diagnostics, LLC DBA Color Health
Classification: Uncertain significance for Cardiomyopathy. Last evaluated: 2024-05-03. Review status: criteria provided, single submitter. Criteria: ACMG Guidelines, 2015. Collection method: clinical testing. Allele origin: germline.
Comment: This missense variant replaces threonine with isoleucine at codon 2595 of the DSP protein. Computational prediction suggests that this variant may not impact protein structure and function (internally defined REVEL score threshold <= 0.5, PMID: 27666373). To our knowledge, functional studies have not been reported for this variant. This variant has been reported in two individuals affected with arrhythmogenic right ventricular cardiomyopathy (PMID: 19597050, 27532257), and in an unexplained cardiac arrest survivor with idiopathic ventricular tachycardia (PMID: 28600387). This variant has been identified in 2/251458 chromosomes in the general population by the Genome Aggregation Database (gnomAD). The available evidence is insufficient to determine the role of this variant in disease conclusively. Therefore, this variant is classified as a Variant of Uncertain Significance.

Fulgent Genetics
Classification: Uncertain significance for Arrhythmogenic cardiomyopathy with wooly hair and keratoderma; Arrhythmogenic right ventricular dysplasia 8; Lethal acantholytic epidermolysis bullosa; Keratosis palmoplantaris striata 2; Cardiomyopathy, dilated, with wooly hair, keratoderma, and tooth agenesis. Last evaluated: 2021-08-16. Review status: criteria provided, single submitter. Criteria: ACMG Guidelines, 2015. Collection method: clinical testing. Allele origin: unknown.

Literature cited by the submitters: PubMed 19597050 (cited by 4 submitters); PubMed 27532257 (cited by 4 submitters); PubMed 35352813 (cited by Labcorp Genetics (formerly Invitae), Labcorp); PubMed 28600387 (cited by All of Us Research Program, National Institutes of Health and Color Diagnostics, LLC DBA Color Health).